The following is an entry in ClinVar:

NM_017946.4(FKBP14):c.528_531del (p.Asn176fs)

Genes: FKBP14 (FKBP prolyl isomerase 14; minus strand), FKBP14-AS1 (FKBP14 antisense RNA 1; plus strand). Cytogenetic location: 7p14.3.
Variant type: Microsatellite.
Coding change: c.528_531del on transcript NM_017946.4 (MANE Select); coding-DNA positions 528 to 531, 4 bases deleted (TGAA; older notation c.528_531delTGAA).
Protein change: p.Asn176fs; shifts the reading frame from asparagine 176.
Molecular consequence: frameshift variant. On other transcripts: non-coding transcript variant (2).
Genome position (GRCh38, 1-based): chr7:30,014,840-30,014,843, TTCA deleted on the plus strand (TGAA on the coding strand, the reverse complement: FKBP14 is on the minus strand); deleting any 4 consecutive bases within chr7:30,014,840-30,014,847 gives the same sequence; the c. name uses the placement nearest the transcript's 3' end. VCF-style (leftmost placement, unchanged base first): chr7-30014839-TTTCA-T. GRCh37 (hg19) VCF-style: chr7-30054455-TTTCA-T.
Other names: short protein forms N176fs.
Identifiers: ClinVar variation 4851334 (VCV004851334.1).

ClinVar aggregate classification (germline): Likely pathogenic (1 of 4 stars; one submission).

Conditions:
Ehlers-Danlos syndrome, kyphoscoliotic type, 2. Also called: FKBP14-Kyphoscoliotic Ehlers-Danlos Syndrome; Ehlers-Danlos syndrome with progressive kyphoscoliosis, myopathy, and hearing loss; Ehlers-Danlos syndrome, kyphoscoliotic and deafness type. Identifiers: Orphanet 300179, MedGen C3281160, MONDO:0013800, OMIM 614557.

Submission:

Laboratory Cellgenetics, GMDL Cellgenetics
Classification: Likely pathogenic for Ehlers-Danlos syndrome, kyphoscoliotic type, 2. Last evaluated: 2024-02-20. Review status: criteria provided, single submitter. Criteria: ACMG Guidelines, 2015. Collection method: clinical testing. Allele origin: unknown. Inheritance: Autosomal recessive inheritance. Affected: yes. Observed: 1 variant allele, 1 compound heterozygote.
Comment: PVS1_Strong, PM2